The following is an entry in ClinVar:

ClinVar aggregate classification (germline): Likely pathogenic. Review status: criteria provided, multiple submitters, no conflicts (2 of 4 stars). 3 submissions from 3 submitters: Likely pathogenic (3). Last evaluated 2025-05-23.

Conditions:
Autosomal recessive limb-girdle muscular dystrophy type 2J (LGMDR10). Also called: Limb-girdle muscular dystrophy, type 2J; MUSCULAR DYSTROPHY, LIMB-GIRDLE, AUTOSOMAL RECESSIVE 10. Identifiers: Orphanet 140922, MedGen C1837342, MONDO:0012127, OMIM 608807.
Dilated cardiomyopathy 1G (CMD1G). Identifiers: Orphanet 154, MedGen C1858763, MONDO:0011400, OMIM 604145.
Cardiovascular phenotype. Identifiers: MedGen CN230736.

Allele frequency attached by ClinVar (database versions not stated): gnomAD 0.00001; gnomAD exomes below 0.00001; TOPMed below 0.00001.
gnomAD v4.1: 4 of 1,613,614 alleles (0.00025%); highest among the groups gnomAD compares: East Asian, 0.0022%; no homozygotes.

Submissions (3):

Labcorp Genetics (formerly Invitae), Labcorp
Classification: Likely pathogenic for Dilated cardiomyopathy 1G; Autosomal recessive limb-girdle muscular dystrophy type 2J. Last evaluated: 2025-05-23. Review status: criteria provided, single submitter. Criteria: Invitae Variant Classification Sherloc (09022015). Collection method: clinical testing. Allele origin: germline.
Comment: This sequence change creates a premature translational stop signal (p.Arg31047*) in the TTN gene. While this is not anticipated to result in nonsense mediated decay, it is expected to create a truncated TTN protein. This variant is present in population databases (no rsID available, gnomAD 0.006%). This premature translational stop signal has been observed in individual(s) with clinical features of autosomal recessive TTN-related conditions (PMID: 31130284). This variant is also known as NM_133437.3:c.66520C>T: p.Arg22174Ter. ClinVar contains an entry for this variant (Variation ID: 1476412). This variant is located in the A band of TTN (PMID: 25589632). Truncating variants in this region are significantly overrepresented in patients affected with dilated cardiomyopathy (PMID: 25589632). Truncating variants in this region have also been reported in individuals affected with autosomal recessive centronuclear myopathy (PMID: 23975875). In summary, the currently available evidence indicates that the variant is pathogenic, but additional data are needed to prove that conclusively. Therefore, this variant has been classified as Likely Pathogenic.

GeneDx
Classification: Likely pathogenic. Last evaluated: 2025-02-10. Review status: criteria provided, single submitter. Criteria: GeneDx Variant Classification Process June 2021. Collection method: clinical testing. Allele origin: germline.
Comment: Nonsense variant predicted to result in protein truncation or nonsense mediated decay in a gene for which loss of function is a known mechanism of disease; Reported as p.(R22174*) in a child with muscle weakness who also harbors an intronic +5 splice site variant in the TTN gene; further clinical detail and familial segregation information was not provided (PMID: 31130284); Not observed at significant frequency in large population cohorts (gnomAD); This variant is associated with the following publications: (PMID: 32778822, 22335739, 31130284)

Ambry Genetics
Classification: Likely pathogenic for Cardiovascular phenotype. Last evaluated: 2023-07-03. Review status: criteria provided, single submitter. Criteria: Ambry Variant Classification Scheme 2023. Collection method: clinical testing. Allele origin: germline.
Comment: The p.R21982* variant (also known as c.65944C>T), located in coding exon 166 of the TTN gene, results from a C to T substitution at nucleotide position 65944. This changes the amino acid from an arginine to a stop codon within coding exon 166. This exon is located in the A-band region of the N2-B isoform of the titin protein and is constitutively expressed in TTN transcripts (percent spliced in or PSI 100%). This alteration has been reported as compound heterozygous with an additional TTN alteration in an individual with muscle weakness and a family history of congenital heart disease (Monies D et al. Am J Hum Genet, 2019 Jun;104:1182-1201). This variant is considered to be rare based on population cohorts in the Genome Aggregation Database (gnomAD). In addition to the clinical data presented in the literature, this alteration is expected to result in loss of function by premature protein truncation or nonsense-mediated mRNA decay. While truncating variants in TTN are present in 1-3% of the general population, truncating variants in the A-band are the most common cause of dilated cardiomyopathy (DCM) (Herman DS et al. N. Engl. J. Med., 2012 Feb;366:619-28; Roberts AM et al. Sci Transl Med, 2015 Jan;7:270ra6). TTN truncating variants encoded in constitutive exons (PSI >90%) have been found to be significantly associated with DCM regardless of their position in titin (Schafer S et al. Nat. Genet., 2017 01;49:46-53). Based on the majority of available evidence to date, this variant is likely to be pathogenic.

Literature cited by the submitters: PubMed 31130284 (cited by Labcorp Genetics (formerly Invitae), Labcorp and Ambry Genetics); PubMed 25589632 (cited by Labcorp Genetics (formerly Invitae), Labcorp); PubMed 23975875 (cited by Labcorp Genetics (formerly Invitae), Labcorp).

NM_001267550.2(TTN):c.93139C>T (p.Arg31047Ter)

Genes: TTN-AS1 (TTN antisense RNA 1; plus strand), TTN (titin; minus strand). Cytogenetic location: 2q31.2.
Variant type: single nucleotide variant.
Coding change: c.93139C>T on transcript NM_001267550.2 (MANE Select); coding-DNA position 93139, C replaced by T.
Protein change: p.Arg31047Ter; replaces arginine 31047 with a stop codon.
Molecular consequence: nonsense.
Genome position (GRCh38, 1-based): chr2:178,548,487, G>A on the plus strand (C>T on the coding strand, the complement: TTN is on the minus strand). VCF-style: chr2-178548487-G-A. GRCh37 (hg19) VCF-style: chr2-179413214-G-A.
Other names: c.93139C>T (NM_001267550.1); c.88216C>T, p.Arg29406Ter (NM_001256850.1); c.65944C>T, p.Arg21982Ter (NM_003319.4); c.85435C>T, p.Arg28479Ter (NM_133378.4); c.66319C>T, p.Arg22107Ter (NM_133432.3); c.66520C>T, p.Arg22174Ter (NM_133437.4); short protein forms R22174*, R31047*, R29406*, R21982*, R22107*, R28479*.
Identifiers: ClinVar variation 1476412 (VCV001476412.10), dbSNP rs1416323929, ClinGen allele CA349487589.